The following is an entry in ClinVar:

ClinVar aggregate classification (germline): Uncertain significance (1 of 4 stars; one submission).

Submission:

Labcorp Genetics (formerly Invitae), Labcorp
Classification: Uncertain significance. Last evaluated: 2023-11-21. Review status: criteria provided, single submitter. Criteria: Invitae Variant Classification Sherloc (09022015). Collection method: clinical testing. Allele origin: germline.
Comment: This variant, c.559_560ins60, is a complex sequence change that results in the deletion of 1 and insertion of 21 amino acid(s) in the PMPCB protein (p.Thr187delins21). This variant is not present in population databases (gnomAD no frequency). This variant has been observed in individual(s) with multiple mitochondrial dysfunctions syndrome (Invitae). In at least one individual the data is consistent with being in trans (on the opposite chromosome) from a pathogenic variant. In summary, the available evidence is currently insufficient to determine the role of this variant in disease. Therefore, it has been classified as a Variant of Uncertain Significance.

NM_004279.3(PMPCB):c.559_560insAAAAGTATGTTTCAGAAAGTAATTTTCCCCCTGGTAATCTAAGTGAAACTGTAGTTAGCT (p.Thr187delinsLysLysTyrValSerGluSerAsnPheProProGlyAsnLeuSerGluThrValValSerSer)

Gene: PMPCB (peptidase, mitochondrial processing subunit beta; plus strand). Cytogenetic location: 7q22.1.
Variant type: Insertion.
Coding change: c.559_560insAAAAGTATGTTTCAGAAAGTAATTTTCCCCCTGGTAATCTAAGTGAAACTGTAGTTAGCT on transcript NM_004279.3 (MANE Select); coding-DNA positions 559 to 560, AAAAGTATGTTTCAGAAAGTAATTTTCCCCCTGGTAATCTAAGTGAAACTGTAGTTAGCT inserted.
Protein change: p.Thr187delinsLysLysTyrValSerGluSerAsnPheProProGlyAsnLeuSerGluThrValValSerSer.
Molecular consequence: inframe indel.
Genome position: GRCh38: chr7:103,303,943-103,303,944. GRCh37 (hg19): chr7:102,944,390-102,944,391.
Identifiers: ClinVar variation 2880049 (VCV002880049.3), dbSNP rs2484877812, ClinGen allele CA2739278939.